The following is an entry in ClinVar:

ClinVar aggregate classification (germline): Uncertain significance (1 of 4 stars; one submission).

Submission:

GeneDx
Classification: Uncertain significance. Last evaluated: 2020-10-21. Review status: criteria provided, single submitter. Criteria: GeneDx Variant Classification Process June 2021. Collection method: clinical testing. Allele origin: germline. Affected: yes.
Comment: Not observed in large population cohorts (Lek et al., 2016); In silico analysis supports that this missense variant has a deleterious effect on protein structure/function; Has not been previously published as pathogenic or benign to our knowledge

NM_031206.7(LAS1L):c.2034G>C (p.Gln678His)

Gene: LAS1L (LAS1 like ribosome biogenesis factor; minus strand). Cytogenetic location: Xq12.
Variant type: single nucleotide variant.
Coding change: c.2034G>C on transcript NM_031206.7 (MANE Select); coding-DNA position 2034, G replaced by C.
Protein change: p.Gln678His; replaces glutamine 678 with histidine.
Molecular consequence: missense variant. On other transcripts: non-coding transcript variant (1).
Genome position (GRCh38, 1-based): chrX:65,514,867, C>G on the plus strand (G>C on the coding strand, the complement: LAS1L is on the minus strand). VCF-style: chrX-65514867-C-G. GRCh37 (hg19) VCF-style: chrX-64734747-C-G.
Other names: c.1983G>C, p.Gln661His (NM_001170649.2); c.1857G>C, p.Gln619His (NM_001170650.2); c.2031G>C, p.Gln677His (NM_001375328.1); c.1077G>C, p.Gln359His (NM_001375332.1); c.1980G>C, p.Gln660His (NM_001375333.1); short protein forms Q359H, Q619H, Q660H, Q661H, Q677H, Q678H.
Identifiers: ClinVar variation 1313444 (VCV001313444.2), dbSNP rs2148261473, ClinGen allele CA413314444.